The following is an entry in ClinVar:

NM_015102.5(NPHP4):c.2267C>T (p.Ser756Phe)

Gene: NPHP4 (nephrocystin 4; minus strand). Cytogenetic location: 1p36.31.
Variant type: single nucleotide variant.
Coding change: c.2267C>T on transcript NM_015102.5 (MANE Select); coding-DNA position 2267, C replaced by T.
Protein change: p.Ser756Phe; replaces serine 756 with phenylalanine.
Molecular consequence: missense variant. On other transcripts: non-coding transcript variant (1).
Genome position (GRCh38, 1-based): chr1:5,890,905, G>A on the plus strand (C>T on the coding strand, the complement: NPHP4 is on the minus strand). VCF-style: chr1-5890905-G-A. GRCh37 (hg19) VCF-style: chr1-5950965-G-A.
Other names: c.728C>T, p.Ser243Phe (NM_001291593.2); c.731C>T, p.Ser244Phe (NM_001291594.2); short protein forms S244F, S756F, S243F.
Identifiers: ClinVar variation 1388217 (VCV001388217.7), dbSNP rs773994262, ClinGen allele CA554219.

ClinVar aggregate classification (germline): Uncertain significance. Review status: criteria provided, multiple submitters, no conflicts (2 of 4 stars). 2 submissions from 2 submitters: Uncertain significance (2). Last evaluated 2024-05-15.

Conditions:
Nephronophthisis 4 (NPHP4). Also called: NEPHRONOPHTHISIS 4, JUVENILE. Identifiers: Orphanet 655, MedGen C1847013, MONDO:0011752, OMIM 606966.
Senior-Loken syndrome 4 (SLSN4). Identifiers: Orphanet 3156, MedGen C1846979, MONDO:0011756, OMIM 606996.
Nephronophthisis. Also called: Juvenile Nephronophthisis. Identifiers: Orphanet 655, MedGen C0687120, MONDO:0019005, HP:0000090.

Allele frequency attached by ClinVar (database versions not stated): gnomAD exomes below 0.00001; ExAC 0.00001.
gnomAD v4.1: 6 of 1,610,726 alleles (0.00037%); highest among the groups gnomAD compares: Non-Finnish European, 0.00051%; no homozygotes.

Submissions (2):

Fulgent Genetics
Classification: Uncertain significance for Nephronophthisis 4; Senior-Loken syndrome 4. Last evaluated: 2024-05-15. Review status: criteria provided, single submitter. Criteria: ACMG Guidelines, 2015. Collection method: clinical testing. Allele origin: germline.

Labcorp Genetics (formerly Invitae), Labcorp
Classification: Uncertain significance for Nephronophthisis. Last evaluated: 2021-04-17. Review status: criteria provided, single submitter. Criteria: Invitae Variant Classification Sherloc (09022015). Collection method: clinical testing. Allele origin: germline.
Comment: In summary, the available evidence is currently insufficient to determine the role of this variant in disease. Therefore, it has been classified as a Variant of Uncertain Significance. Algorithms developed to predict the effect of missense changes on protein structure and function are either unavailable or do not agree on the potential impact of this missense change (SIFT: "Deleterious"; PolyPhen-2: "Probably Damaging"; Align-GVGD: "Class C0"). This variant has not been reported in the literature in individuals with NPHP4-related conditions. This variant is present in population databases (rs773994262, ExAC 0.002%). This sequence change replaces serine with phenylalanine at codon 756 of the NPHP4 protein (p.Ser756Phe). The serine residue is highly conserved and there is a large physicochemical difference between serine and phenylalanine.